The following is an entry in ClinVar:

NM_000465.4(BARD1):c.806C>G (p.Ser269Cys)

Gene: BARD1 (BRCA1 associated RING domain 1; minus strand). Cytogenetic location: 2q35.
Variant type: single nucleotide variant.
Coding change: c.806C>G on transcript NM_000465.4 (MANE Select); coding-DNA position 806, C replaced by G.
Protein change: p.Ser269Cys; replaces serine 269 with cysteine.
Molecular consequence: missense variant. On other transcripts: non-coding transcript variant (2), intron variant (3).
Genome position (GRCh38, 1-based): chr2:214,781,068, G>C on the plus strand (C>G on the coding strand, the complement: BARD1 is on the minus strand). VCF-style: chr2-214781068-G-C. GRCh37 (hg19) VCF-style: chr2-215645792-G-C.
Other names: c.749C>G, p.Ser250Cys (NM_001282543.2); c.158+28344C>G (NM_001282548.2); c.215+15993C>G (NM_001282545.2); c.364+11229C>G (NM_001282549.2); short protein forms S269C, S250C.
Identifiers: ClinVar variation 1761863 (VCV001761863.2), dbSNP rs2469508020, ClinGen allele CA350455577.

ClinVar aggregate classification (germline): Uncertain significance (1 of 4 stars; one submission).

Conditions:
Hereditary cancer-predisposing syndrome. Also called: Neoplastic Syndromes, Hereditary; Tumor predisposition; Hereditary Cancer Syndrome; Hereditary neoplastic syndrome. Identifiers: Orphanet 140162, MedGen C0027672, MeSH D009386, MONDO:0015356.

Submission:

Ambry Genetics
Classification: Uncertain significance for Hereditary cancer-predisposing syndrome. Last evaluated: 2021-06-04. Review status: criteria provided, single submitter. Criteria: Ambry Variant Classification Scheme 2023. Collection method: clinical testing. Allele origin: germline.
Comment: The p.S269C variant (also known as c.806C>G), located in coding exon 4 of the BARD1 gene, results from a C to G substitution at nucleotide position 806. The serine at codon 269 is replaced by cysteine, an amino acid with dissimilar properties. This amino acid position is not well conserved in available vertebrate species. In addition, this alteration is predicted to be tolerated by in silico analysis. Since supporting evidence is limited at this time, the clinical significance of this alteration remains unclear.